The following is an entry in ClinVar:

NM_000391.4(TPP1):c.127C>G (p.Pro43Ala)

Gene: TPP1 (tripeptidyl peptidase 1; minus strand). Cytogenetic location: 11p15.4.
Variant type: single nucleotide variant.
Coding change: c.127C>G on transcript NM_000391.4 (MANE Select); coding-DNA position 127, C replaced by G.
Protein change: p.Pro43Ala; replaces proline 43 with alanine.
Molecular consequence: missense variant.
Genome position (GRCh38, 1-based): chr11:6,618,878, G>C on the plus strand (C>G on the coding strand, the complement: TPP1 is on the minus strand). VCF-style: chr11-6618878-G-C. GRCh37 (hg19) VCF-style: chr11-6640109-G-C.
Other names: short protein forms P43A.
Identifiers: ClinVar variation 527735 (VCV000527735.6), dbSNP rs1314595290, ClinGen allele CA379476844.

ClinVar aggregate classification (germline): Uncertain significance (1 of 4 stars; one submission).

Allele frequency attached by ClinVar (database versions not stated): gnomAD 0.00001; TOPMed 0.00001.
gnomAD v4.1: 1 of 1,613,722 alleles (0.000062%); highest among the groups gnomAD compares: Non-Finnish European, 0.000085%; no homozygotes.

Submission:

Labcorp Genetics (formerly Invitae), Labcorp
Classification: Uncertain significance. Last evaluated: 2024-10-29. Review status: criteria provided, single submitter. Criteria: Invitae Variant Classification Sherloc (09022015). Collection method: clinical testing. Allele origin: germline.
Comment: This sequence change replaces proline, which is neutral and non-polar, with alanine, which is neutral and non-polar, at codon 43 of the TPP1 protein (p.Pro43Ala). This variant is not present in population databases (gnomAD no frequency). This variant has not been reported in the literature in individuals affected with TPP1-related conditions. ClinVar contains an entry for this variant (Variation ID: 527735). Invitae Evidence Modeling of protein sequence and biophysical properties (such as structural, functional, and spatial information, amino acid conservation, physicochemical variation, residue mobility, and thermodynamic stability) indicates that this missense variant is not expected to disrupt TPP1 protein function with a negative predictive value of 95%. In summary, the available evidence is currently insufficient to determine the role of this variant in disease. Therefore, it has been classified as a Variant of Uncertain Significance.